The following is an entry in ClinVar:

ClinVar aggregate classification (germline): Likely pathogenic (1 of 4 stars; one submission).

Conditions:
Fucosidosis. Also called: ALPHA-L-FUCOSIDASE DEFICIENCY. Identifiers: Orphanet 349, MedGen C0016788, MONDO:0009254, OMIM 230000.

Submission:

Labcorp Genetics (formerly Invitae), Labcorp
Classification: Likely pathogenic for Fucosidosis. Last evaluated: 2024-01-26. Review status: criteria provided, single submitter. Criteria: Invitae Variant Classification Sherloc (09022015). Collection method: clinical testing. Allele origin: germline.
Comment: This sequence change affects an acceptor splice site in intron 4 of the FUCA1 gene. It is expected to disrupt RNA splicing. Variants that disrupt the donor or acceptor splice site typically lead to a loss of protein function (PMID: 16199547), and loss-of-function variants in FUCA1 are known to be pathogenic (PMID: 10094192). This variant is not present in population databases (gnomAD no frequency). This variant has not been reported in the literature in individuals affected with FUCA1-related conditions. Algorithms developed to predict the effect of sequence changes on RNA splicing suggest that this variant may disrupt the consensus splice site. In summary, the currently available evidence indicates that the variant is pathogenic, but additional data are needed to prove that conclusively. Therefore, this variant has been classified as Likely Pathogenic.

Literature cited by the submitters: PubMed 16199547; PubMed 10094192.

NM_000147.5(FUCA1):c.769-2A>C

Gene: FUCA1 (alpha-L-fucosidase 1; minus strand). Cytogenetic location: 1p36.11.
Variant type: single nucleotide variant.
Coding change: c.769-2A>C on transcript NM_000147.5 (MANE Select); the canonical splice acceptor site of the intron before coding-DNA position 769, A replaced by C.
Molecular consequence: splice acceptor variant.
Genome position (GRCh38, 1-based): chr1:23,854,562, T>G on the plus strand (A>C on the coding strand, the complement: FUCA1 is on the minus strand). VCF-style: chr1-23854562-T-G. GRCh37 (hg19) VCF-style: chr1-24181052-T-G.
Identifiers: ClinVar variation 2864861 (VCV002864861.3), dbSNP rs1250037816, ClinGen allele CA339038792.
Genomic context (GRCh38, chr1:23,854,562, plus strand): 5'-TATCCTCCATGGTGACAGGAACAGTTCTGACCCCATCGGTCATTTACTACCACCTCATCC[T>G]AAGGAGGGAAAGAATATTTGGTCATGAGGAGTAAAACCACTTGACTTCTTTATGTAATAC-3'